The following is an entry in ClinVar:

ClinVar aggregate classification (germline): Uncertain significance (1 of 4 stars; one submission).

Submission:

GeneDx
Classification: Uncertain significance. Last evaluated: 2024-07-10. Review status: criteria provided, single submitter. Criteria: GeneDx Variant Classification Process June 2021. Collection method: clinical testing. Allele origin: germline. Affected: yes.
Comment: Not observed at significant frequency in large population cohorts (gnomAD); In silico analysis supports that this missense variant has a deleterious effect on protein structure/function; Has not been previously published as pathogenic or benign to our knowledge

NM_001792.5(CDH2):c.371A>T (p.Lys124Met)

Gene: CDH2 (cadherin 2; minus strand). Cytogenetic location: 18q12.1.
Variant type: single nucleotide variant.
Coding change: c.371A>T on transcript NM_001792.5 (MANE Select); coding-DNA position 371, A replaced by T.
Protein change: p.Lys124Met; replaces lysine 124 with methionine.
Molecular consequence: missense variant.
Genome position (GRCh38, 1-based): chr18:28,013,711, T>A on the plus strand (A>T on the coding strand, the complement: CDH2 is on the minus strand). VCF-style: chr18-28013711-T-A. GRCh37 (hg19) VCF-style: chr18-25593675-T-A.
Other names: c.278A>T, p.Lys93Met (NM_001308176.2); short protein forms K124M, K93M.
Identifiers: ClinVar variation 3572832 (VCV003572832.1).